The following is an entry in ClinVar:

NM_001384474.1(LOXHD1):c.2728C>G (p.Pro910Ala)

Gene: LOXHD1 (lipoxygenase homology PLAT domains 1; minus strand). Cytogenetic location: 18q21.1.
Variant type: single nucleotide variant.
Coding change: c.2728C>G on transcript NM_001384474.1 (MANE Select); coding-DNA position 2728, C replaced by G.
Protein change: p.Pro910Ala; replaces proline 910 with alanine.
Molecular consequence: missense variant.
Genome position (GRCh38, 1-based): chr18:46,560,416, G>C on the plus strand (C>G on the coding strand, the complement: LOXHD1 is on the minus strand). VCF-style: chr18-46560416-G-C. GRCh37 (hg19) VCF-style: chr18-44140379-G-C.
Other names: c.2728C>G, p.Pro910Ala (NM_144612.7); short protein forms P910A.
Identifiers: ClinVar variation 666852 (VCV000666852.6), dbSNP rs1015707963, ClinGen allele CA299794504.

ClinVar aggregate classification (germline): Uncertain significance. Review status: criteria provided, multiple submitters, no conflicts (2 of 4 stars). 3 submissions from 3 submitters: Uncertain significance (2). 1 of the submissions does not count toward it. Last evaluated 2026-02-09.

Conditions:
LOXHD1-related disorder. Also called: LOXHD1-related condition.
Autosomal recessive nonsyndromic hearing loss 77. Identifiers: Orphanet 90636, MedGen C2746083, MONDO:0013119, OMIM 613079.

Allele frequency attached by ClinVar (database versions not stated): gnomAD exomes 0.00001; gnomAD 0.00002; TOPMed 0.00002.
gnomAD v4.1: 21 of 1,548,232 alleles (0.0014%); highest among the groups gnomAD compares: Non-Finnish European, 0.0015%; no homozygotes.

Submissions (3):

PreventionGenetics, part of Exact Sciences
Classification: Uncertain significance for LOXHD1-related condition. Last evaluated: 2026-02-09. Review status: criteria provided, single submitter. Criteria: ACMG Guidelines, 2015. Collection method: clinical testing. Allele origin: germline.
Comment: The LOXHD1 c.2728C>G variant is predicted to result in the amino acid substitution p.Pro910Ala. To our knowledge, this variant has not been reported in the literature. This variant is reported in 0.0016% of alleles in individuals of European (Non-Finnish) descent in gnomAD. At this time, the clinical significance of this variant is uncertain due to the absence of conclusive functional and genetic evidence.

Laboratory for Molecular Medicine, Mass General Brigham Personalized Medicine
Classification: Uncertain significance. Last evaluated: 2018-12-04. Review status: criteria provided, single submitter. Criteria: LMM Criteria. Collection method: clinical testing. Allele origin: germline. Observed: 1 variant allele.
Comment: The p.Pro910Ala variant in LOXHD1 variant has not been previously reported in in dividuals with hearing loss, but has been identified in 0.001% (1/61064) of Euro pean chromosomes by gnomAD. Computational pre diction tools and conservation analysis do not provide strong support for or aga inst an impact to the protein. In summary, the clinical significance of the p.Pr o910Ala variant is uncertain. ACMG/AMP Criteria applied: PM2.

Natera, Inc.
Classification: Uncertain significance for Autosomal recessive deafness type 77. Last evaluated: 2020-09-16. Review status: no assertion criteria provided. Collection method: clinical testing. Allele origin: germline. Not counted in ClinVar's aggregate classification.